The following is an entry in ClinVar:

NM_025137.4(SPG11):c.3145+1G>T

Gene: SPG11 (SPG11 vesicle trafficking associated, spatacsin; minus strand). Cytogenetic location: 15q21.1.
Variant type: single nucleotide variant.
Coding change: c.3145+1G>T on transcript NM_025137.4 (MANE Select); the canonical splice donor site of the intron after coding-DNA position 3145, G replaced by T.
Molecular consequence: splice donor variant.
Genome position (GRCh38, 1-based): chr15:44,613,429, C>A on the plus strand (G>T on the coding strand, the complement: SPG11 is on the minus strand). VCF-style: chr15-44613429-C-A. GRCh37 (hg19) VCF-style: chr15-44905627-C-A.
Other names: c.3145+1G>T (NM_001411132.1, NM_001160227.2).
Identifiers: ClinVar variation 839751 (VCV000839751.9), dbSNP rs956922949, ClinGen allele CA270066412.
Genomic context (GRCh38, chr15:44,613,429, plus strand): 5'-ATTCAACAGACCAGTGACTGATCCAAAGCAAGTTTCTGTGTTTAATACAGTATACCCATA[C>A]CTGTTAAGTTACTGGCAACTTGTCGACACTGAACTAAAAATTCAAACCAAGGGTGTGCTT-3'

ClinVar aggregate classification (germline): Likely pathogenic (1 of 4 stars; one submission).

Conditions:
Hereditary spastic paraplegia 11. Also called: Spastic paraplegia, mental retardation and thin corpus callosum; Nakamura Osame syndrome; Autosomal recessive hereditary spastic paraplegia, mental impairment, and thin corpus callosum; SPASTIC PARAPLEGIA, AUTOSOMAL RECESSIVE, COMPLICATED, WITH THIN CORPUS CALLOSUM; SPASTIC PARAPLEGIA, AUTOSOMAL RECESSIVE, WITH MENTAL IMPAIRMENT AND THIN CORPUS CALLOSUM; Spastic Paraplegia 11. Identifiers: Orphanet 2822, MedGen C1858479, MONDO:0011445, OMIM 604360.

Allele frequency attached by ClinVar (database versions not stated): TOPMed 0.00001.
gnomAD v4.1: 2 of 1,595,242 alleles (0.00013%); highest among the groups gnomAD compares: Non-Finnish European, 0.000086%; no homozygotes.

Submission:

Labcorp Genetics (formerly Invitae), Labcorp
Classification: Likely pathogenic for Hereditary spastic paraplegia 11. Last evaluated: 2022-12-06. Review status: criteria provided, single submitter. Criteria: Invitae Variant Classification Sherloc (09022015). Collection method: clinical testing. Allele origin: germline.
Comment: In summary, the currently available evidence indicates that the variant is pathogenic, but additional data are needed to prove that conclusively. Therefore, this variant has been classified as Likely Pathogenic. Algorithms developed to predict the effect of sequence changes on RNA splicing suggest that this variant may disrupt the consensus splice site. ClinVar contains an entry for this variant (Variation ID: 839751). This variant has not been reported in the literature in individuals affected with SPG11-related conditions. This variant is not present in population databases (gnomAD no frequency). This sequence change affects a donor splice site in intron 17 of the SPG11 gene. It is expected to disrupt RNA splicing. Variants that disrupt the donor or acceptor splice site typically lead to a loss of protein function (PMID: 16199547), and loss-of-function variants in SPG11 are known to be pathogenic (PMID: 19105190, 20110243, 22154821, 26556829).

Literature cited by the submitters: PubMed 16199547; PubMed 19105190; PubMed 20110243; PubMed 22154821; PubMed 26556829.